The following is an entry in ClinVar:

NM_198129.4(LAMA3):c.4584+22_4584+24del

Gene: LAMA3 (laminin subunit alpha 3; plus strand). Cytogenetic location: 18q11.2.
Variant type: Microsatellite.
Coding change: c.4584+22_4584+24del on transcript NM_198129.4 (MANE Select); bases 22 to 24 of the intron after coding-DNA position 4584, 3 bases deleted (TCT; older notation c.4584+22_4584+24delTCT).
Molecular consequence: intron variant.
Genome position (GRCh38, 1-based): chr18:23,861,829-23,861,831, TCT deleted; deleting any 3 consecutive bases within chr18:23,861,825-23,861,831 gives the same sequence; the c. name uses the placement nearest the transcript's 3' end. VCF-style (leftmost placement, unchanged base first): chr18-23861824-GTTC-G. GRCh37 (hg19) VCF-style: chr18-21441788-GTTC-G.
Other names: c.4584+22_4584+24del (NM_001127717.4).
Identifiers: ClinVar variation 1304547 (VCV001304547.2), dbSNP rs1421336257, ClinGen allele CA628979079.

ClinVar aggregate classification (germline): Uncertain significance (1 of 4 stars; one submission).

Submission:

GeneDx
Classification: Uncertain significance. Last evaluated: 2019-04-03. Review status: criteria provided, single submitter. Criteria: GeneDx Variant Classification Process June 2021. Collection method: clinical testing. Allele origin: germline. Affected: yes.
Comment: Observed with a second LAMA3 variant in a patient with generalized severe junctional epidermolysis bullosa in published literature (Vahidnezhad et al., 2017); Not observed at a significant frequency or in the homozygous state in large population cohorts (Lek et al., 2016); Located in a region that tolerates variation and lacks pathogenic variants; This variant is associated with the following publications: (PMID: 28830826)